The following is an entry in ClinVar:

ClinVar aggregate classification (germline): Uncertain significance (1 of 4 stars; one submission).

Allele frequency attached by ClinVar (database versions not stated): TOPMed 0.00003; ExAC 0.00005; ESP Exome Variant Server 0.00015.
gnomAD v4.1: 74 of 1,613,600 alleles (0.0046%); highest among the groups gnomAD compares: Non-Finnish European, 0.006%; no homozygotes.

Submission:

Women's Health and Genetics/Laboratory Corporation of America, LabCorp
Classification: Uncertain significance. Last evaluated: 2024-02-09. Review status: criteria provided, single submitter. Criteria: LabCorp Variant Classification Summary - May 2015. Collection method: clinical testing. Allele origin: germline.
Comment: Variant summary: TSHR c.372G>T (p.Glu124Asp) results in a conservative amino acid change located in the BspA-type LRR region (IPR026906) of the encoded protein sequence. Five of five in-silico tools predict a benign effect of the variant on protein function. The variant allele was found at a frequency of 3.6e-05 in 251372 control chromosomes. The available data on variant occurrences in the general population are insufficient to allow any conclusion about variant significance. To our knowledge, no occurrence of c.372G>T in individuals affected with Hypothyroidism Due To TSH Receptor Mutations and no experimental evidence demonstrating its impact on protein function have been reported. No submitters have cited clinical-significance assessments for this variant to ClinVar. Based on the evidence outlined above, the variant was classified as uncertain significance.

NM_000369.5(TSHR):c.372G>T (p.Glu124Asp)

Genes: TSHR (thyroid stimulating hormone receptor; plus strand), TSHR-AS1 (TSHR antisense RNA 1; minus strand). Cytogenetic location: 14q31.1.
Variant type: single nucleotide variant.
Coding change: c.372G>T on transcript NM_000369.5 (MANE Select); coding-DNA position 372, G replaced by T.
Protein change: p.Glu124Asp; replaces glutamic acid 124 with aspartic acid.
Molecular consequence: missense variant.
Genome position (GRCh38, 1-based): chr14:81,088,008, G>T. VCF-style: chr14-81088008-G-T. GRCh37 (hg19) VCF-style: chr14-81554352-G-T.
Other names: c.372G>T, p.Glu124Asp (NM_001018036.3, NM_001142626.3); short protein forms E124D.
Identifiers: ClinVar variation 3068864 (VCV003068864.2), dbSNP rs146496347, ClinGen allele CA7294102.